The following is an entry in ClinVar:

NM_001348323.3(TRIP12):c.618A>T (p.Glu206Asp)

Gene: TRIP12 (thyroid hormone receptor interactor 12; minus strand). Cytogenetic location: 2q36.3.
Variant type: single nucleotide variant.
Coding change: c.618A>T on transcript NM_001348323.3 (MANE Select); coding-DNA position 618, A replaced by T.
Protein change: p.Glu206Asp; replaces glutamic acid 206 with aspartic acid.
Molecular consequence: missense variant. On other transcripts: intron variant (1).
Genome position (GRCh38, 1-based): chr2:229,859,181, T>A on the plus strand (A>T on the coding strand, the complement: TRIP12 is on the minus strand). VCF-style: chr2-229859181-T-A. GRCh37 (hg19) VCF-style: chr2-230723897-T-A.
Other names: c.618A>T, p.Glu206Asp (NM_001284214.2, NM_001348315.2, NM_001348319.1 and 15 more transcripts); c.492A>T, p.Glu164Asp (NM_001284215.2, NM_001348316.2, NM_001348317.1 and 3 more transcripts); c.98+20801A>T (NM_001284216.2); short protein forms E164D, E206D.
Identifiers: ClinVar variation 3903339 (VCV003903339.1).

ClinVar aggregate classification (germline): Uncertain significance (1 of 4 stars; one submission).

Submission:

GeneDx
Classification: Uncertain significance. Last evaluated: 2024-12-08. Review status: criteria provided, single submitter. Criteria: GeneDx Variant Classification Process June 2021. Collection method: clinical testing. Allele origin: germline. Affected: yes.
Comment: Not observed at significant frequency in large population cohorts (gnomAD); In silico analysis indicates that this missense variant does not alter protein structure/function; Has not been previously published as pathogenic or benign to our knowledge